The following is an entry in ClinVar:

ClinVar aggregate classification (germline): Uncertain significance. Review status: criteria provided, multiple submitters, no conflicts (2 of 4 stars). 2 submissions from 2 submitters: Uncertain significance (2). Last evaluated 2024-05-15.

Conditions:
Charcot-Marie-Tooth disease type 2. Also called: Charcot-Marie-Tooth type 2. Identifiers: Orphanet 64746, MedGen C0270914, MONDO:0018993.

Allele frequency attached by ClinVar (database versions not stated): gnomAD exomes below 0.00001.
gnomAD v4.1: 1 of 1,614,136 alleles (0.000062%); highest among the groups gnomAD compares: Middle Eastern, 0.016%; no homozygotes.

Submissions (2):

Labcorp Genetics (formerly Invitae), Labcorp
Classification: Uncertain significance for Charcot-Marie-Tooth disease type 2. Last evaluated: 2024-05-15. Review status: criteria provided, single submitter. Criteria: Invitae Variant Classification Sherloc (09022015). Collection method: clinical testing. Allele origin: germline.
Comment: This sequence change replaces valine, which is neutral and non-polar, with methionine, which is neutral and non-polar, at codon 445 of the MFN2 protein (p.Val445Met). This variant is not present in population databases (gnomAD no frequency). This variant has not been reported in the literature in individuals affected with MFN2-related conditions. ClinVar contains an entry for this variant (Variation ID: 1500575). Advanced modeling of protein sequence and biophysical properties (such as structural, functional, and spatial information, amino acid conservation, physicochemical variation, residue mobility, and thermodynamic stability) performed at Invitae indicates that this missense variant is expected to disrupt MFN2 protein function with a positive predictive value of 95%. In summary, the available evidence is currently insufficient to determine the role of this variant in disease. Therefore, it has been classified as a Variant of Uncertain Significance.

Blueprint Genetics
Classification: Uncertain significance. Last evaluated: 2018-04-16. Review status: criteria provided, single submitter. Criteria: ACMG Guidelines, 2015. Collection method: clinical testing. Allele origin: germline.

NM_014874.4(MFN2):c.1333G>A (p.Val445Met)

Gene: MFN2 (mitofusin 2; plus strand). Cytogenetic location: 1p36.22.
Variant type: single nucleotide variant.
Coding change: c.1333G>A on transcript NM_014874.4 (MANE Select); coding-DNA position 1333, G replaced by A.
Protein change: p.Val445Met; replaces valine 445 with methionine.
Molecular consequence: missense variant.
Genome position (GRCh38, 1-based): chr1:12,004,554, G>A. VCF-style: chr1-12004554-G-A. GRCh37 (hg19) VCF-style: chr1-12064611-G-A.
Other names: c.1333G>A, p.Val445Met (NM_001127660.2); short protein forms V445M.
Identifiers: ClinVar variation 1500575 (VCV001500575.7), dbSNP rs1639319467, ClinGen allele CA338446160.